The following is an entry in ClinVar:

NM_001330288.2(SMARCC2):c.1409T>C (p.Ile470Thr)

Gene: SMARCC2 (SWI/SNF related BAF chromatin remodeling complex subunit C2; minus strand). Cytogenetic location: 12q13.2.
Variant type: single nucleotide variant.
Coding change: c.1409T>C on transcript NM_001330288.2 (MANE Select); coding-DNA position 1409, T replaced by C.
Protein change: p.Ile470Thr; replaces isoleucine 470 with threonine.
Molecular consequence: missense variant.
Genome position (GRCh38, 1-based): chr12:56,174,738, A>G on the plus strand (T>C on the coding strand, the complement: SMARCC2 is on the minus strand). VCF-style: chr12-56174738-A-G. GRCh37 (hg19) VCF-style: chr12-56568522-A-G.
Other names: c.1409T>C, p.Ile470Thr (NM_001130420.3, NM_003075.5, NM_139067.4); short protein forms I470T.
Identifiers: ClinVar variation 1804312 (VCV001804312.2), dbSNP rs1278976107, ClinGen allele CA385347483.
Genomic context (GRCh38, chr12:56,174,738, plus strand): 5'-AGGTTTCGGCGGCAGGCGGTAGAGGTAAGATACTCTTGGGGGTTCAGTCGGTAAGTGTCA[A>G]TCATAAAGTTTCGATAGGCCAGGTAGCTTAGAAGAAAGAGAGAGAGAAACAAGAAGAAGA-3'
Protein context (NP_001317217.1, residues 460-480): EIYLAYRNFM[Ile470Thr]DTYRLNPQEY

ClinVar aggregate classification (germline): Uncertain significance (1 of 4 stars; one submission).

Allele frequency attached by ClinVar (database versions not stated): gnomAD 0.00001; gnomAD exomes 0.00001; TOPMed 0.00001.
gnomAD v4.1: 12 of 1,613,686 alleles (0.00074%); highest among the groups gnomAD compares: Non-Finnish European, 0.00093%; no homozygotes.

Submission:

GeneDx
Classification: Uncertain significance. Last evaluated: 2026-09-09. Review status: criteria provided, single submitter. Criteria: GeneDx Variant Classification Process June 2021. Collection method: clinical testing. Allele origin: germline.
Comment: Not observed at significant frequency in large population cohorts (gnomAD); In silico analysis supports that this missense variant has a deleterious effect on protein structure/function; Has not been previously published as pathogenic or benign to our knowledge